The following is an entry in ClinVar:

ClinVar aggregate classification (germline): Uncertain significance (1 of 4 stars; one submission).

Submission:

Labcorp Genetics (formerly Invitae), Labcorp
Classification: Uncertain significance. Last evaluated: 2025-12-28. Review status: criteria provided, single submitter. Criteria: Invitae Variant Classification Sherloc (09022015). Collection method: clinical testing. Allele origin: germline.
Comment: This sequence change replaces valine, which is neutral and non-polar, with leucine, which is neutral and non-polar, at codon 78 of the GABRB1 protein (p.Val78Leu). This variant is not present in population databases (gnomAD no frequency). This variant has not been reported in the literature in individuals affected with GABRB1-related conditions. Invitae Evidence Modeling of protein sequence and biophysical properties (such as structural, functional, and spatial information, amino acid conservation, physicochemical variation, residue mobility, and thermodynamic stability) indicates that this missense variant is not expected to disrupt GABRB1 protein function with a negative predictive value of 80%. In summary, the available evidence is currently insufficient to determine the role of this variant in disease. Therefore, it has been classified as a Variant of Uncertain Significance.

NM_000812.4(GABRB1):c.232G>C (p.Val78Leu)

Gene: GABRB1 (gamma-aminobutyric acid type A receptor subunit beta1; plus strand). Cytogenetic location: 4p12.
Variant type: single nucleotide variant.
Coding change: c.232G>C on transcript NM_000812.4 (MANE Select); coding-DNA position 232, G replaced by C.
Protein change: p.Val78Leu; replaces valine 78 with leucine.
Molecular consequence: missense variant.
Genome position (GRCh38, 1-based): chr4:47,032,476, G>C. VCF-style: chr4-47032476-G-C. GRCh37 (hg19) VCF-style: chr4-47034493-G-C.
Other names: short protein forms V78L.
Identifiers: ClinVar variation 4744610 (VCV004744610.1).